The following is an entry in ClinVar:

NM_032611.3(PTP4A3):c.-3G>T

Gene: PTP4A3 (protein tyrosine phosphatase 4A3; plus strand). Cytogenetic location: 8q24.3.
Variant type: single nucleotide variant.
Coding change: c.-3G>T on transcript NM_032611.3 (MANE Select); 3 bases upstream of the start codon, G replaced by T.
Molecular consequence: 5 prime UTR variant.
Genome position (GRCh38, 1-based): chr8:141,422,238, G>T. VCF-style: chr8-141422238-G-T. GRCh37 (hg19) VCF-style: chr8-142432338-G-T.
Other names: c.-3G>T (NM_007079.4).
Identifiers: ClinVar variation 2658877 (VCV002658877.24), dbSNP rs201548699, ClinGen allele CA4898744.

ClinVar aggregate classification (germline): Likely benign (1 of 4 stars; one submission).

Allele frequency attached by ClinVar (database versions not stated): 1000 Genomes Project 0.00140; 1000 Genomes Project 30x 0.00141; TOPMed 0.00281; ESP Exome Variant Server 0.00323.
gnomAD v4.1: 7,330 of 1,612,878 alleles (0.45%); highest among the groups gnomAD compares: Non-Finnish European, 0.54%; 22 homozygotes.

Submission:

CeGaT Center for Human Genetics Tuebingen
Classification: Likely benign. Last evaluated: 2023-01-01. Review status: criteria provided, single submitter. Criteria: CeGaT Center For Human Genetics Tuebingen Variant Classification Criteria Version 2. Collection method: clinical testing. Allele origin: germline. Affected: yes. Observed: 1 variant allele.
Comment: PTP4A3: BP4, BS2